The following is an entry in ClinVar:

NM_004448.4(ERBB2):c.1028A>G (p.Tyr343Cys)

Gene: ERBB2 (erb-b2 receptor tyrosine kinase 2; plus strand). Cytogenetic location: 17q12.
Variant type: single nucleotide variant.
Coding change: c.1028A>G on transcript NM_004448.4 (MANE Select); coding-DNA position 1028, A replaced by G.
Protein change: p.Tyr343Cys; replaces tyrosine 343 with cysteine.
Molecular consequence: missense variant. On other transcripts: non-coding transcript variant (1).
Genome position (GRCh38, 1-based): chr17:39,712,328, A>G. VCF-style: chr17-39712328-A-G. GRCh37 (hg19) VCF-style: chr17-37868581-A-G.
Other names: c.938A>G, p.Tyr313Cys (NM_001005862.3, NM_001289938.2, NM_001382782.1 and 1 more transcripts); c.983A>G, p.Tyr328Cys (NM_001289936.2); c.1028A>G, p.Tyr343Cys (NM_001289937.2, NM_001382784.1, NM_001382785.1 and 16 more transcripts); c.1103A>G, p.Tyr368Cys (NM_001382787.1); c.1019A>G, p.Tyr340Cys (NM_001382791.1); c.848A>G, p.Tyr283Cys (NM_001382799.1); c.770A>G, p.Tyr257Cys (NM_001382802.1); c.200A>G, p.Tyr67Cys (NM_001382804.1); short protein forms Y283C, Y340C, Y328C, Y343C, Y257C, Y313C, Y368C, Y67C.
Identifiers: ClinVar variation 2191969 (VCV002191969.4), dbSNP rs747993530, ClinGen allele CA8533851.

ClinVar aggregate classification (germline): Uncertain significance (1 of 4 stars; one submission).

Allele frequency attached by ClinVar (database versions not stated): ExAC 0.00001; gnomAD exomes 0.00001.
gnomAD v4.1: 9 of 1,613,618 alleles (0.00056%); highest among the groups gnomAD compares: Middle Eastern, 0.017%; no homozygotes.

Submission:

Labcorp Genetics (formerly Invitae), Labcorp
Classification: Uncertain significance. Last evaluated: 2022-06-20. Review status: criteria provided, single submitter. Criteria: Invitae Variant Classification Sherloc (09022015). Collection method: clinical testing. Allele origin: germline.
Comment: In summary, the available evidence is currently insufficient to determine the role of this variant in disease. Therefore, it has been classified as a Variant of Uncertain Significance. This sequence change replaces tyrosine, which is neutral and polar, with cysteine, which is neutral and slightly polar, at codon 343 of the ERBB2 protein (p.Tyr343Cys). This variant is present in population databases (rs747993530, gnomAD 0.007%). This variant has not been reported in the literature in individuals affected with ERBB2-related conditions. Algorithms developed to predict the effect of missense changes on protein structure and function are either unavailable or do not agree on the potential impact of this missense change (SIFT: "Deleterious"; PolyPhen-2: "Probably Damaging"; Align-GVGD: "Class C0").